The following is an entry in ClinVar:

ClinVar aggregate classification (germline): Uncertain significance. Review status: criteria provided, multiple submitters, no conflicts (2 of 4 stars). 3 submissions from 3 submitters: Uncertain significance (3). Last evaluated 2019-10-28.

Conditions:
Cardiovascular phenotype. Identifiers: MedGen CN230736.

Allele frequency attached by ClinVar (database versions not stated): gnomAD 0.00002; TOPMed 0.00002.
gnomAD v4.1: 44 of 1,613,618 alleles (0.0027%); highest among the groups gnomAD compares: Non-Finnish European, 0.0037%; no homozygotes.

Submissions (3):

GeneDx
Classification: Uncertain significance. Last evaluated: 2019-10-28. Review status: criteria provided, single submitter. Criteria: GeneDx Variant Classification Process June 2021. Collection method: clinical testing. Allele origin: germline. Affected: yes.
Comment: Not observed at a significant frequency in large population cohorts (Lek et al., 2016); Missense variant in a gene in which most reported pathogenic variants are truncating/loss-of-function; This variant is associated with the following publications: (PMID: 23861362)

Ambry Genetics
Classification: Uncertain significance for Cardiovascular phenotype. Last evaluated: 2018-05-29. Review status: criteria provided, single submitter. Criteria: Ambry Variant Classification Scheme 2023. Collection method: clinical testing. Allele origin: germline.
Comment: The p.Q3885P variant (also known as c.11654A>C), located in coding exon 44 of the TTN gene, results from an A to C substitution at nucleotide position 11654. The glutamine at codon 3885 is replaced by proline, an amino acid with similar properties. This alteration has been reported as a secondary cardiac variant (described as NM_133378.4:c.10361-2130A>C) in an exome cohort (Ng D et al. Circ Cardiovasc Genet, 2013 Aug;6:337-46). This amino acid position is well conserved in available vertebrate species. In addition, this alteration is predicted to be tolerated by in silico analysis. Since supporting evidence is limited at this time, the clinical significance of this alteration remains unclear.

Biesecker Lab/Clinical Genomics Section, National Institutes of Health
Classification: Uncertain significance. Last evaluated: 2013-06-24. Review status: criteria provided, single submitter. Criteria: Ng et al. (Circ Cardiovasc Genet. 2013). Collection method: research. Allele origin: unknown. Observed: 1 variant allele. Study: ClinSeq.
Comment: The study set was not selected for affection status in relation to any cancer. Pathogenicity categories were based on literature curation. See Pubmed ID:23861362 for details.

Medical sequencing

Literature cited by the submitters: PubMed 23861362 (cited by Ambry Genetics).

NM_001267550.2(TTN):c.12743A>C (p.Gln4248Pro)

Gene: TTN (titin; minus strand). Cytogenetic location: 2q31.2.
Variant type: single nucleotide variant.
Coding change: c.12743A>C on transcript NM_001267550.2 (MANE Select); coding-DNA position 12743, A replaced by C.
Protein change: p.Gln4248Pro; replaces glutamine 4248 with proline.
Molecular consequence: missense variant.
Genome position (GRCh38, 1-based): chr2:178,740,490, T>G on the plus strand (A>C on the coding strand, the complement: TTN is on the minus strand). VCF-style: chr2-178740490-T-G. GRCh37 (hg19) VCF-style: chr2-179605217-T-G.
Other names: c.11792A>C, p.Gln3931Pro (NM_001256850.1); c.11654A>C, p.Gln3885Pro (NM_003319.4); c.12029A>C, p.Gln4010Pro (NM_133432.3); c.12230A>C, p.Gln4077Pro (NM_133437.4); c.10361-2130A>C (NM_133378.4); short protein forms Q4248P, Q3931P, Q3885P, Q4010P, Q4077P.
Identifiers: ClinVar variation 192037 (VCV000192037.5), dbSNP rs770583611, ClinGen allele CA238159.